The following is an entry in ClinVar:

ClinVar aggregate classification (germline): Uncertain significance (1 of 4 stars; one submission).

Submission:

Women's Health and Genetics/Laboratory Corporation of America, LabCorp
Classification: Uncertain significance. Last evaluated: 2021-08-28. Review status: criteria provided, single submitter. Criteria: LabCorp Variant Classification Summary - May 2015. Collection method: clinical testing. Allele origin: germline.
Comment: Variant summary: RRAS c.423delG (p.Asn142ThrfsX92) causes a frameshift which results in an extension of the protein. The variant allele was found at a frequency of 4e-06 in 251262 control chromosomes. The available data on variant occurrences in the general population are insufficient to allow any conclusion about variant significance. To our knowledge, no occurrence of c.423delG in individuals affected with Noonan Syndrome And Related Conditions and no experimental evidence demonstrating its impact on protein function have been reported. No clinical diagnostic laboratories have submitted clinical-significance assessments for this variant to ClinVar after 2014. Based on the evidence outlined above, the variant was classified as uncertain significance.

NM_006270.5(RRAS):c.423del (p.Asn142fs)

Gene: RRAS (RAS related; minus strand). Cytogenetic location: 19q13.33.
Variant type: Deletion.
Coding change: c.423del on transcript NM_006270.5 (MANE Select); coding-DNA position 423, one base deleted (G; older notation c.423delG).
Protein change: p.Asn142fs; shifts the reading frame from asparagine 142.
Molecular consequence: frameshift variant.
Genome position (GRCh38, 1-based): chr19:49,636,649, C deleted on the plus strand (G on the coding strand, the reverse complement: RRAS is on the minus strand); the first of 3 consecutive C bases (chr19:49,636,649-49,636,651); deleting any one gives the same sequence. VCF-style (leftmost placement, unchanged base first): chr19-49636648-TC-T. GRCh37 (hg19) VCF-style: chr19-50139905-TC-T.
Other names: short protein forms N142fs.
Identifiers: ClinVar variation 1217282 (VCV001217282.1), dbSNP rs775018539, ClinGen allele CA9579024.